The following is an entry in ClinVar:

NM_000111.3(SLC26A3):c.1181G>T (p.Ser394Ile)

Gene: SLC26A3 (solute carrier family 26 member 3; minus strand). Cytogenetic location: 7q22.3.
Variant type: single nucleotide variant.
Coding change: c.1181G>T on transcript NM_000111.3 (MANE Select); coding-DNA position 1181, G replaced by T.
Protein change: p.Ser394Ile; replaces serine 394 with isoleucine.
Molecular consequence: missense variant.
Genome position (GRCh38, 1-based): chr7:107,783,032, C>A on the plus strand (G>T on the coding strand, the complement: SLC26A3 is on the minus strand). VCF-style: chr7-107783032-C-A. GRCh37 (hg19) VCF-style: chr7-107423477-C-A.
Other names: short protein forms S394I.
Identifiers: ClinVar variation 2682416 (VCV002682416.6), dbSNP rs1228273365, ClinGen allele CA368851819.

ClinVar aggregate classification (germline): Conflicting classifications of pathogenicity. Review status: criteria provided, conflicting classifications (1 of 4 stars). 2 submissions from 2 submitters: Pathogenic (1); Uncertain significance (1). Last evaluated 2025-07-18.

Allele frequency attached by ClinVar (database versions not stated): TOPMed below 0.00001; gnomAD 0.00001.

Submissions (2):

Women's Health and Genetics/Laboratory Corporation of America, LabCorp
Classification: Uncertain significance. Last evaluated: 2025-07-18. Review status: criteria provided, single submitter. Criteria: LabCorp Variant Classification Summary - May 2015. Collection method: clinical testing. Allele origin: germline.
Comment: Variant summary: SLC26A3 c.1181G>T (p.Ser394Ile) results in a non-conservative amino acid change located in the SLC26A/SulP transporter domain (IPR011547) of the encoded protein sequence. Algorithms developed to predict the effect of missense changes on protein structure and function all suggest that this variant is likely to be disruptive. The variant was absent in 251066 control chromosomes. c.1181G>T has been observed in individual(s) affected with Congenital secretory diarrhea (e.g., Amato_2017, Esposito_2021). These data indicate that the variant may be associated with disease. To our knowledge, no experimental evidence demonstrating an impact on protein function has been reported. The following publications have been ascertained in the context of this evaluation (PMID: 28644346, 33567694). ClinVar contains an entry for this variant (Variation ID: 2682416). Based on the evidence outlined above, the variant was classified as VUS-possibly pathogenic.

Labcorp Genetics (formerly Invitae), Labcorp
Classification: Pathogenic. Last evaluated: 2023-04-06. Review status: criteria provided, single submitter. Criteria: Invitae Variant Classification Sherloc (09022015). Collection method: clinical testing. Allele origin: germline.
Comment: For these reasons, this variant has been classified as Pathogenic. Advanced modeling of protein sequence and biophysical properties (such as structural, functional, and spatial information, amino acid conservation, physicochemical variation, residue mobility, and thermodynamic stability) performed at Invitae indicates that this missense variant is expected to disrupt SLC26A3 protein function. This missense change has been observed in individual(s) with congenital chloride diarrhea (PMID: 28644346, 33567694). In at least one individual the data is consistent with being in trans (on the opposite chromosome) from a pathogenic variant. It has also been observed to segregate with disease in related individuals. This variant is not present in population databases (gnomAD no frequency). This sequence change replaces serine, which is neutral and polar, with isoleucine, which is neutral and non-polar, at codon 394 of the SLC26A3 protein (p.Ser394Ile).

Literature cited by the submitters: PubMed 28644346 (cited by Women's Health and Genetics/Laboratory Corporation of America, LabCorp and Labcorp Genetics (formerly Invitae), Labcorp); PubMed 33567694 (cited by Women's Health and Genetics/Laboratory Corporation of America, LabCorp and Labcorp Genetics (formerly Invitae), Labcorp).